The following is an entry in ClinVar:

NM_004329.3(BMPR1A):c.693C>G (p.Ala231=)

Gene: BMPR1A (bone morphogenetic protein receptor type 1A; plus strand). Cytogenetic location: 10q23.2.
Variant type: single nucleotide variant.
Coding change: c.693C>G on transcript NM_004329.3 (MANE Select); coding-DNA position 693, C replaced by G.
Protein change: p.Ala231=; no amino-acid change (alanine 231 retained).
Molecular consequence: synonymous variant.
Genome position (GRCh38, 1-based): chr10:86,917,151, C>G. VCF-style: chr10-86917151-C-G. GRCh37 (hg19) VCF-style: chr10-88676908-C-G.
Identifiers: ClinVar variation 416808 (VCV000416808.19), dbSNP rs1060504906, ClinGen allele CA16612890.
Genomic context (GRCh38, chr10:86,917,151, plus strand): 5'-TTCTTTCATCAAGAGCTCAAACCTTTTACTTTTTTCTATAAAGGTTCAGCGAACTATTGC[C>G]AAACAGATTCAGATGGTCCGGCAAGTTGGTAAAGGCCGATATGGAGAAGTATGGATGGGC-3'
Protein context (NP_004320.2, residues 221-241): GLPLLVQRTI[Ala231=]KQIQMVRQVG

ClinVar aggregate classification (germline): Benign/Likely benign. Review status: criteria provided, multiple submitters, no conflicts (2 of 4 stars). 5 submissions from 5 submitters: Benign (1); Likely benign (4). Last evaluated 2025-12-08.

Conditions:
Juvenile polyposis syndrome (JPS). Identifiers: Orphanet 2929, MedGen C0345893, MONDO:0017380, OMIM 174900.
Hereditary cancer-predisposing syndrome. Also called: Tumor predisposition; Neoplastic Syndromes, Hereditary; Hereditary Cancer Syndrome; Hereditary neoplastic syndrome. Identifiers: Orphanet 140162, MedGen C0027672, MeSH D009386, MONDO:0015356.

Allele frequency attached by ClinVar (database versions not stated): gnomAD exomes below 0.00001.
gnomAD v4.1: 1 of 1,613,976 alleles (0.000062%); highest among the groups gnomAD compares: African/African-American, 0.0013%; no homozygotes.

Submissions (5):

Labcorp Genetics (formerly Invitae), Labcorp
Classification: Likely benign for Juvenile polyposis syndrome. Last evaluated: 2025-12-08. Review status: criteria provided, single submitter. Criteria: Invitae Variant Classification Sherloc (09022015). Collection method: clinical testing. Allele origin: germline.

Myriad Genetics, Inc.
Classification: Benign for Juvenile polyposis syndrome. Last evaluated: 2024-08-05. Review status: criteria provided, single submitter. Criteria: Myriad Autosomal Dominant, Autosomal Recessive and X-Linked Classification Criteria (2023). Collection method: clinical testing. Allele origin: unknown.
Comment: This variant is considered benign. This variant is a silent/synonymous amino acid change and it is not expected to impact splicing.

All of Us Research Program, National Institutes of Health
Classification: Likely benign for Juvenile polyposis syndrome. Last evaluated: 2023-10-02. Review status: criteria provided, single submitter. Criteria: ACMG Guidelines, 2015. Collection method: clinical testing. Allele origin: germline. Inheritance: Autosomal dominant inheritance. Observed: 1 variant allele, 1 heterozygote.
Comment: This study involves interpretation of variants in research participants for the purpose of population health screening. Participant phenotype was not available at the time of variant classification. Additional details can be found in publication PMID: 35346344, PMCID: PMC8962531

Color Diagnostics, LLC DBA Color Health
Classification: Likely benign for Hereditary cancer-predisposing syndrome. Last evaluated: 2022-11-06. Review status: criteria provided, single submitter. Criteria: ACMG Guidelines, 2015. Collection method: clinical testing. Allele origin: germline.

Ambry Genetics
Classification: Likely benign for Hereditary cancer-predisposing syndrome. Last evaluated: 2019-12-20. Review status: criteria provided, single submitter. Criteria: Ambry Variant Classification Scheme 2023. Collection method: clinical testing. Allele origin: germline.